The following is an entry in ClinVar:

NM_002439.5(MSH3):c.2655+6T>A

Gene: MSH3 (mutS homolog 3; plus strand). Cytogenetic location: 5q14.1.
Variant type: single nucleotide variant.
Coding change: c.2655+6T>A on transcript NM_002439.5 (MANE Select); 6 bases into the intron after coding-DNA position 2655, T replaced by A.
Molecular consequence: intron variant.
Genome position (GRCh38, 1-based): chr5:80,792,850, T>A. VCF-style: chr5-80792850-T-A. GRCh37 (hg19) VCF-style: chr5-80088669-T-A.
Identifiers: ClinVar variation 4718370 (VCV004718370.1).

ClinVar aggregate classification (germline): Uncertain significance (1 of 4 stars; one submission).

gnomAD v4.1: 1 of 1,539,568 alleles (0.000065%); highest among the groups gnomAD compares: Non-Finnish European, 0.00009%; no homozygotes.

Submission:

Labcorp Genetics (formerly Invitae), Labcorp
Classification: Uncertain significance. Last evaluated: 2025-04-27. Review status: criteria provided, single submitter. Criteria: Invitae Variant Classification Sherloc (09022015). Collection method: clinical testing. Allele origin: germline.
Comment: This sequence change falls in intron 19 of the MSH3 gene. It does not directly change the encoded amino acid sequence of the MSH3 protein. It affects a nucleotide within the consensus splice site. This variant is not present in population databases (gnomAD no frequency). This variant has not been reported in the literature in individuals affected with MSH3-related conditions. Variants that disrupt the consensus splice site are a relatively common cause of aberrant splicing (PMID: 17576681, 9536098). Algorithms developed to predict the effect of sequence changes on RNA splicing suggest that this variant may disrupt the consensus splice site. In summary, the available evidence is currently insufficient to determine the role of this variant in disease. Therefore, it has been classified as a Variant of Uncertain Significance.

Literature cited by the submitters: PubMed 17576681; PubMed 9536098.